The following is an entry in ClinVar:

NM_002907.4(RECQL):c.1406A>G (p.Glu469Gly)

Gene: RECQL (RecQ like helicase; minus strand). Cytogenetic location: 12p12.1.
Variant type: single nucleotide variant.
Coding change: c.1406A>G on transcript NM_002907.4 (MANE Select); coding-DNA position 1406, A replaced by G.
Protein change: p.Glu469Gly; replaces glutamic acid 469 with glycine.
Molecular consequence: missense variant.
Genome position (GRCh38, 1-based): chr12:21,473,592, T>C on the plus strand (A>G on the coding strand, the complement: RECQL is on the minus strand). VCF-style: chr12-21473592-T-C. GRCh37 (hg19) VCF-style: chr12-21626526-T-C.
Other names: c.1406A>G, p.Glu469Gly (NM_032941.3); short protein forms E469G.
Identifiers: ClinVar variation 1771899 (VCV001771899.6), dbSNP rs1326787232, ClinGen allele CA384117463.

ClinVar aggregate classification (germline): Uncertain significance. Review status: criteria provided, multiple submitters, no conflicts (2 of 4 stars). 2 submissions from 2 submitters: Uncertain significance (2). Last evaluated 2024-06-14.

gnomAD v4.1: 1 of 1,612,944 alleles (0.000062%); highest among the groups gnomAD compares: Non-Finnish European, 0.000085%; no homozygotes.

Submissions (2):

Ambry Genetics
Classification: Uncertain significance. Last evaluated: 2024-06-14. Review status: criteria provided, single submitter. Criteria: Ambry Variant Classification Scheme 2023. Collection method: clinical testing. Allele origin: germline.
Comment: The p.E469G variant (also known as c.1406A>G), located in coding exon 11 of the RECQL gene, results from an A to G substitution at nucleotide position 1406. The glutamic acid at codon 469 is replaced by glycine, an amino acid with similar properties. This amino acid position is conserved. In addition, this alteration is predicted to be tolerated by in silico analysis. Since supporting evidence is limited at this time, the clinical significance of this alteration remains unclear.

Labcorp Genetics (formerly Invitae), Labcorp
Classification: Uncertain significance. Last evaluated: 2023-01-22. Review status: criteria provided, single submitter. Criteria: Invitae Variant Classification Sherloc (09022015). Collection method: clinical testing. Allele origin: germline.
Comment: In summary, the available evidence is currently insufficient to determine the role of this variant in disease. Therefore, it has been classified as a Variant of Uncertain Significance. Advanced modeling of protein sequence and biophysical properties (such as structural, functional, and spatial information, amino acid conservation, physicochemical variation, residue mobility, and thermodynamic stability) performed at Invitae indicates that this missense variant is not expected to disrupt RECQL protein function. ClinVar contains an entry for this variant (Variation ID: 1771899). This variant has not been reported in the literature in individuals affected with RECQL-related conditions. This variant is not present in population databases (gnomAD no frequency). This sequence change replaces glutamic acid, which is acidic and polar, with glycine, which is neutral and non-polar, at codon 469 of the RECQL protein (p.Glu469Gly).